The following is an entry in ClinVar:

NM_001378454.1(ALMS1):c.4235C>G (p.Pro1412Arg)

Gene: ALMS1 (ALMS1 centrosome and basal body associated protein; plus strand). Cytogenetic location: 2p13.1.
Variant type: single nucleotide variant.
Coding change: c.4235C>G on transcript NM_001378454.1 (MANE Select); coding-DNA position 4235, C replaced by G.
Protein change: p.Pro1412Arg; replaces proline 1412 with arginine.
Molecular consequence: missense variant.
Genome position (GRCh38, 1-based): chr2:73,450,762, C>G. VCF-style: chr2-73450762-C-G. GRCh37 (hg19) VCF-style: chr2-73677889-C-G.
Other names: c.4238C>G, p.Pro1413Arg (NM_015120.4); short protein forms P1412R, P1413R.
Identifiers: ClinVar variation 4979154 (VCV004979154.1).
Genomic context (GRCh38, chr2:73,450,762, plus strand): 5'-ACCAACAGTCGTTGCCAGGTAGTCATCTAACTGAAGAGGCTAAGAACGTTTCAGCGGTTC[C>G]TGGACCAGGTGACCGGAAGACTGGGATACCAACTTTACCCTCTACTTTCTACTCACACAC-3'
Protein context (NP_001365383.1, residues 1402-1422): TEEAKNVSAV[Pro1412Arg]GPGDRKTGIP

ClinVar aggregate classification (germline): Uncertain significance (1 of 4 stars; one submission).

Conditions:
ALMS1-related disorder. Also called: ALMS1-related condition.

Submission:

PreventionGenetics, part of Exact Sciences
Classification: Uncertain significance for ALMS1-related condition. Last evaluated: 2026-02-12. Review status: criteria provided, single submitter. Criteria: ACMG Guidelines, 2015. Collection method: clinical testing. Allele origin: germline.
Comment: The ALMS1 c.4238C>G variant is predicted to result in the amino acid substitution p.Pro1413Arg. To our knowledge, this variant has not been reported in the literature. This variant is reported in 0.012% of alleles in individuals of Latino descent in gnomAD. At this time, the clinical significance of this variant is uncertain due to the absence of conclusive functional and genetic evidence.